The following is an entry in ClinVar:

NM_173598.6(KSR2):c.859C>T (p.Pro287Ser)

Gene: KSR2 (kinase suppressor of ras 2; minus strand). Cytogenetic location: 12q24.23.
Variant type: single nucleotide variant.
Coding change: c.859C>T on transcript NM_173598.6 (MANE Select); coding-DNA position 859, C replaced by T.
Protein change: p.Pro287Ser; replaces proline 287 with serine.
Molecular consequence: missense variant.
Genome position (GRCh38, 1-based): chr12:117,761,138, G>A on the plus strand (C>T on the coding strand, the complement: KSR2 is on the minus strand). VCF-style: chr12-117761138-G-A. GRCh37 (hg19) VCF-style: chr12-118198943-G-A.
Other names: short protein forms P287S.
Identifiers: ClinVar variation 3866009 (VCV003866009.3).

ClinVar aggregate classification (germline): Uncertain significance. Review status: criteria provided, multiple submitters, no conflicts (2 of 4 stars). 3 submissions from 3 submitters: Uncertain significance (3). Last evaluated 2026-03-02.

Conditions:
KSR2-related disorder. Also called: KSR2-related condition.

gnomAD v4.1: 10 of 1,611,744 alleles (0.00062%); highest among the groups gnomAD compares: African/African-American, 0.0013%; no homozygotes.

Submissions (3):

PreventionGenetics, part of Exact Sciences
Classification: Uncertain significance for KSR2-related condition. Last evaluated: 2026-03-02. Review status: criteria provided, single submitter. Criteria: ACMG Guidelines, 2015. Collection method: clinical testing. Allele origin: germline.
Comment: The KSR2 c.772C>T variant is predicted to result in the amino acid substitution p.Pro258Ser. To our knowledge, this variant has not been reported in the literature. This variant is reported in 0.00089% of alleles in individuals of European (Non-Finnish) descent in gnomAD. At this time, the clinical significance of this variant is uncertain due to the absence of conclusive functional and genetic evidence.

Labcorp Genetics (formerly Invitae), Labcorp
Classification: Uncertain significance. Last evaluated: 2025-10-21. Review status: criteria provided, single submitter. Criteria: Invitae Variant Classification Sherloc (09022015). Collection method: clinical testing. Allele origin: germline.
Comment: This sequence change replaces proline, which is neutral and non-polar, with serine, which is neutral and polar, at codon 258 of the KSR2 protein (p.Pro258Ser). This variant is present in population databases (rs774345332, gnomAD 0.0009%). This variant has not been reported in the literature in individuals affected with KSR2-related conditions. ClinVar contains an entry for this variant (Variation ID: 3866009). An algorithm developed to predict the effect of missense changes on protein structure and function (PolyPhen-2) suggests that this variant is likely to be tolerated. In summary, the available evidence is currently insufficient to determine the role of this variant in disease. Therefore, it has been classified as a Variant of Uncertain Significance.

Ambry Genetics
Classification: Uncertain significance. Last evaluated: 2025-01-29. Review status: criteria provided, single submitter. Criteria: Ambry Variant Classification Scheme 2023. Collection method: clinical testing. Allele origin: germline.